The following is an entry in ClinVar:

NM_022455.5(NSD1):c.3238G>A (p.Gly1080Ser)

Gene: NSD1 (nuclear receptor binding SET domain protein 1; plus strand). Cytogenetic location: 5q35.3.
Variant type: single nucleotide variant.
Coding change: c.3238G>A on transcript NM_022455.5 (MANE Select); coding-DNA position 3238, G replaced by A.
Protein change: p.Gly1080Ser; replaces glycine 1080 with serine.
Molecular consequence: missense variant.
Genome position (GRCh38, 1-based): chr5:177,211,637, G>A. VCF-style: chr5-177211637-G-A. GRCh37 (hg19) VCF-style: chr5-176638638-G-A.
Other names: c.2365G>A, p.Gly789Ser (NM_001365684.2, NM_001409306.1, NM_001409307.1 and 3 more transcripts); c.3238G>A, p.Gly1080Ser (NM_001409301.1, NM_001409302.1, NM_001409303.1); c.2818G>A, p.Gly940Ser (NM_001409304.1); c.2485G>A, p.Gly829Ser (NM_001409305.1); short protein forms G1080S, G829S, G789S, G811S, G940S.
Identifiers: ClinVar variation 1983924 (VCV001983924.2), dbSNP rs1266442075, ClinGen allele CA362323001.

ClinVar aggregate classification (germline): Uncertain significance (1 of 4 stars; one submission).

Conditions:
Sotos syndrome (SOTOS). Also called: CEREBRAL GIGANTISM; Sotos' syndrome; CHROMOSOME 5q35 DELETION SYNDROME; Distinctive facial appearance, overgrowth in childhood, and learning disabilities or delayed development; SOTOS SYNDROME 1. Identifiers: Orphanet 821, MedGen C0175695, MONDO:0019349, OMIM 117550.

Submission:

Labcorp Genetics (formerly Invitae), Labcorp
Classification: Uncertain significance. Last evaluated: 2022-06-04. Review status: criteria provided, single submitter. Criteria: Invitae Variant Classification Sherloc (09022015). Collection method: clinical testing. Allele origin: germline.
Comment: This sequence change replaces glycine, which is neutral and non-polar, with serine, which is neutral and polar, at codon 1080 of the NSD1 protein (p.Gly1080Ser). This variant is not present in population databases (gnomAD no frequency). This variant has not been reported in the literature in individuals affected with NSD1-related conditions. Advanced modeling of protein sequence and biophysical properties (such as structural, functional, and spatial information, amino acid conservation, physicochemical variation, residue mobility, and thermodynamic stability) performed at Invitae indicates that this missense variant is not expected to disrupt NSD1 protein function. In summary, the available evidence is currently insufficient to determine the role of this variant in disease. Therefore, it has been classified as a Variant of Uncertain Significance.